The following is an entry in ClinVar:

ClinVar aggregate classification (germline): Likely benign (1 of 4 stars; one submission).

Allele frequency attached by ClinVar (database versions not stated): gnomAD below 0.00001 and 0.00005; 1000 Genomes Project 30x 0.00062; 1000 Genomes Project 0.00080.
gnomAD v4.1: 8 of 152,304 alleles (0.0053%); highest among the groups gnomAD compares: South Asian, 0.17%; no homozygotes.

Submission:

GeneDx
Classification: Likely benign. Last evaluated: 2016-06-09. Review status: criteria provided, single submitter. Criteria: GeneDx Variant Classification (06012015). Collection method: clinical testing. Allele origin: germline. Affected: yes.
Comment: This variant is considered likely benign or benign based on one or more of the following criteria: it is a conservative change, it occurs at a poorly conserved position in the protein, it is predicted to be benign by multiple in silico algorithms, and/or has population frequency not consistent with disease.

NM_002633.3(PGM1):c.1600-527C>T

Gene: PGM1 (phosphoglucomutase 1; plus strand). Cytogenetic location: 1p31.3.
Variant type: single nucleotide variant.
Coding change: c.1600-527C>T on transcript NM_002633.3 (MANE Select); 527 bases into the intron before coding-DNA position 1600, C replaced by T.
Molecular consequence: intron variant.
Genome position (GRCh38, 1-based): chr1:63,659,059, C>T. VCF-style: chr1-63659059-C-T. GRCh37 (hg19) VCF-style: chr1-64124730-C-T.
Other names: c.1009-527C>T (NM_001172819.2); c.1654-527C>T (NM_001172818.1).
Identifiers: ClinVar variation 386433 (VCV000386433.1), dbSNP rs575689228, ClinGen allele CA16603681.